The following is an entry in ClinVar:

NM_000124.4(ERCC6):c.1517dup (p.Leu507fs)

Gene: ERCC6 (ERCC excision repair 6, chromatin remodeling factor; minus strand). Cytogenetic location: 10q11.23.
Variant type: Duplication.
Coding change: c.1517dup on transcript NM_000124.4 (MANE Select); coding-DNA position 1517, one base duplicated (A; older notation c.1517dupA).
Protein change: p.Leu507fs; shifts the reading frame from leucine 507.
Molecular consequence: frameshift variant.
Genome position (GRCh38, 1-based): chr10:49,505,893, T duplicated on the plus strand (A on the coding strand, the reverse complement: ERCC6 is on the minus strand); the first of 5 consecutive T bases (chr10:49,505,893-49,505,897); duplicating any one gives the same sequence. VCF-style (leftmost placement, unchanged base first): chr10-49505892-C-CT. GRCh37 (hg19) VCF-style: chr10-50713938-C-CT.
Other names: c.1517dup, p.Leu507fs (NM_001346440.2); short protein forms L507fs.
Identifiers: ClinVar variation 5014895 (VCV005014895.1).

ClinVar aggregate classification (germline): Pathogenic (1 of 4 stars; one submission).

Conditions:
Cockayne spectrum with or without cerebrooculofacioskeletal syndrome. Identifiers: MedGen CN315928, MONDO:0100506.

Submission:

Myriad Genetics, Inc.
Classification: Pathogenic for Cockayne spectrum with or without cerebrooculofacioskeletal syndrome. Last evaluated: 2025-08-19. Review status: criteria provided, single submitter. Criteria: Myriad Autosomal Dominant, Autosomal Recessive and X-Linked Classification Criteria (2023). Collection method: clinical testing. Allele origin: unknown.
Comment: NM_000124.2(ERCC6):c.1517dupA(L507Afs*3) is expected to be pathogenic in the context of ERCC6-related disorders. This variant is predicted to lead to an abnormal or absent protein product due to the creation of a premature termination codon in ERCC6, a gene where loss-of-function variants are known to be pathogenic. Please note: this variant was assessed in the context of healthy population screening.